The following is an entry in ClinVar:

ClinVar aggregate classification (germline): Likely benign (1 of 4 stars; one submission).

Allele frequency attached by ClinVar (database versions not stated): gnomAD exomes below 0.00001.

Submission:

GeneDx
Classification: Likely benign. Last evaluated: 2018-02-06. Review status: criteria provided, single submitter. Criteria: GeneDx Variant Classification (06012015). Collection method: clinical testing. Allele origin: germline. Affected: yes.
Comment: This variant is considered likely benign or benign based on one or more of the following criteria: it is a conservative change, it occurs at a poorly conserved position in the protein, it is predicted to be benign by multiple in silico algorithms, and/or has population frequency not consistent with disease.

NM_015443.4(KANSL1):c.-72C>T

Gene: KANSL1 (KAT8 regulatory NSL complex subunit 1). Cytogenetic location: 17q21.31.
Variant type: single nucleotide variant.
Coding change: c.-72C>T on transcript NM_015443.4 (MANE Select); 72 bases upstream of the start codon, C replaced by T.
Molecular consequence: 5 prime UTR variant.
Genome position (GRCh38, 1-based): chr17:46,172,215, G>A on the plus strand (C>T on the coding strand, the complement: KANSL1 is on the minus strand). VCF-style: chr17-46172215-G-A. GRCh37 (hg19) VCF-style: chr17-44249581-G-A.
Other names: c.-72C>T (NM_001193465.2, NM_001193466.2, NM_001379198.1).
Identifiers: ClinVar variation 515273 (VCV000515273.1), dbSNP rs1555576484, ClinGen allele CA658798879.